The following is an entry in ClinVar:

ClinVar aggregate classification (germline): Uncertain significance (1 of 4 stars; one submission).

Submission:

Labcorp Genetics (formerly Invitae), Labcorp
Classification: Uncertain significance. Last evaluated: 2025-01-14. Review status: criteria provided, single submitter. Criteria: Invitae Variant Classification Sherloc (09022015). Collection method: clinical testing. Allele origin: germline.
Comment: This sequence change replaces valine, which is neutral and non-polar, with leucine, which is neutral and non-polar, at codon 231 of the GRIN2D protein (p.Val231Leu). This variant is not present in population databases (gnomAD no frequency). This variant has not been reported in the literature in individuals affected with GRIN2D-related conditions. Invitae Evidence Modeling of protein sequence and biophysical properties (such as structural, functional, and spatial information, amino acid conservation, physicochemical variation, residue mobility, and thermodynamic stability) indicates that this missense variant is not expected to disrupt GRIN2D protein function with a negative predictive value of 80%. In summary, the available evidence is currently insufficient to determine the role of this variant in disease. Therefore, it has been classified as a Variant of Uncertain Significance.

NM_000836.4(GRIN2D):c.691G>T (p.Val231Leu)

Gene: GRIN2D (glutamate ionotropic receptor NMDA type subunit 2D; plus strand). Cytogenetic location: 19q13.33.
Variant type: single nucleotide variant.
Coding change: c.691G>T on transcript NM_000836.4 (MANE Select); coding-DNA position 691, G replaced by T.
Protein change: p.Val231Leu; replaces valine 231 with leucine.
Molecular consequence: missense variant.
Genome position (GRCh38, 1-based): chr19:48,404,959, G>T. VCF-style: chr19-48404959-G-T. GRCh37 (hg19) VCF-style: chr19-48908216-G-T.
Other names: short protein forms V231L.
Identifiers: ClinVar variation 3648142 (VCV003648142.2).